The following is an entry in ClinVar:

ClinVar aggregate classification (germline): Uncertain significance (1 of 4 stars; one submission).

Conditions:
Niemann-Pick disease, type B. Also called: Chronic Visceral ASMD (Niemann-Pick Disease Type B; NPD-B). Identifiers: Orphanet 77293, MedGen C0268243, MONDO:0011871, OMIM 607616. Disease mechanism: loss of function.
Niemann-Pick disease, type A. Also called: SPHINGOMYELIN LIPIDOSIS; SPHINGOMYELINASE DEFICIENCY; Infantile Neurovisceral ASMD (Niemann-Pick Disease Type A; NPD-A). Identifiers: Orphanet 77292, MedGen C0268242, MONDO:0009756, OMIM 257200. Disease mechanism: loss of function.

gnomAD v4.1: 10 of 1,613,768 alleles (0.00062%); highest among the groups gnomAD compares: South Asian, 0.0011%; no homozygotes.

Submission:

Labcorp Genetics (formerly Invitae), Labcorp
Classification: Uncertain significance for Niemann-Pick disease, type B; Niemann-Pick disease, type A. Last evaluated: 2019-02-27. Review status: criteria provided, single submitter. Criteria: Invitae Variant Classification Sherloc (09022015). Collection method: clinical testing. Allele origin: germline.
Comment: In summary, the available evidence is currently insufficient to determine the role of this variant in disease. Therefore, it has been classified as a Variant of Uncertain Significance. Algorithms developed to predict the effect of missense changes on protein structure and function (SIFT, PolyPhen-2, Align-GVGD) all suggest that this variant is likely to be tolerated, but these predictions have not been confirmed by published functional studies and their clinical significance is uncertain. This variant has not been reported in the literature in individuals with SMPD1-related disease. This variant is not present in population databases (ExAC no frequency). This sequence change replaces arginine with leucine at codon 443 of the SMPD1 protein (p.Arg443Leu). The arginine residue is moderately conserved and there is a moderate physicochemical difference between arginine and leucine.

NM_000543.5(SMPD1):c.1328G>T (p.Arg443Leu)

Gene: SMPD1 (sphingomyelin phosphodiesterase 1; plus strand). Cytogenetic location: 11p15.4.
Variant type: single nucleotide variant.
Coding change: c.1328G>T on transcript NM_000543.5 (MANE Select); coding-DNA position 1328, G replaced by T.
Protein change: p.Arg443Leu; replaces arginine 443 with leucine.
Molecular consequence: missense variant. On other transcripts: non-coding transcript variant (2).
Genome position (GRCh38, 1-based): chr11:6,393,681, G>T. VCF-style: chr11-6393681-G-T. GRCh37 (hg19) VCF-style: chr11-6414911-G-T.
Other names: c.1325G>T, p.Arg442Leu (NM_001007593.3); c.1328G>T, p.Arg443Leu (NM_001318087.2); c.407G>T, p.Arg136Leu (NM_001318088.2); c.1196G>T, p.Arg399Leu (NM_001365135.2); short protein forms R443L, R399L, R136L, R442L.
Identifiers: ClinVar variation 529234 (VCV000529234.9), dbSNP rs377609894, ClinGen allele CA379374548.